The following is an entry in ClinVar:

NM_006899.5(IDH3B):c.636G>A (p.Lys212=)

Gene: IDH3B (isocitrate dehydrogenase (NAD(+)) 3 non-catalytic subunit beta; minus strand). Cytogenetic location: 20p13.
Variant type: single nucleotide variant.
Coding change: c.636G>A on transcript NM_006899.5 (MANE Select); coding-DNA position 636, G replaced by A.
Protein change: p.Lys212=; no amino-acid change (lysine 212 retained).
Molecular consequence: synonymous variant. On other transcripts: non-coding transcript variant (1).
Genome position (GRCh38, 1-based): chr20:2,660,486, C>T on the plus strand (G>A on the coding strand, the complement: IDH3B is on the minus strand). VCF-style: chr20-2660486-C-T. GRCh37 (hg19) VCF-style: chr20-2641132-C-T.
Other names: c.636G>A, p.Lys212= (NM_001258384.3, NM_001330763.2, NM_174855.4).
Identifiers: ClinVar variation 777515 (VCV000777515.17), dbSNP rs114253155, ClinGen allele CA9735227.
Genomic context (GRCh38, chr20:2,660,486, plus strand): 5'-AACCCATCCTACACAAAGCCATGCCCCTCACATGATGTTGGCCTTGTGGACAGCAGTGAC[C>T]TTGCCCCGCCCCTTCTTGGTGGCATAGTCAAAGGCGAACTTTGCAATCCGCTGAGACTTG-3'
Protein context (NP_008830.2, residues 202-222): FDYATKKGRG[Lys212=]VTAVHKANIM

ClinVar aggregate classification (germline): Benign. Review status: criteria provided, multiple submitters, no conflicts (2 of 4 stars). 4 submissions from 4 submitters: Benign (4). Last evaluated 2026-02-01.

Conditions:
Retinitis pigmentosa (RP). Identifiers: Orphanet 791, MedGen C0035334, MeSH D012174, MONDO:0019200, OMIM 268000. Inheritance: Autosomal dominant, autosomal recessive and X linked inheritance.

Allele frequency attached by ClinVar (database versions not stated): gnomAD exomes 0.00167 and 0.00453; ExAC 0.00546; 1000 Genomes Project 0.01458; 1000 Genomes Project 30x 0.01640; gnomAD 0.01724 and 0.01866; TOPMed 0.01946; ESP Exome Variant Server 0.01984.

Submissions (4):

Labcorp Genetics (formerly Invitae), Labcorp
Classification: Benign. Last evaluated: 2026-02-01. Review status: criteria provided, single submitter. Criteria: Invitae Variant Classification Sherloc (09022015). Collection method: clinical testing. Allele origin: germline.

GeneDx
Classification: Benign. Last evaluated: 2021-05-05. Review status: criteria provided, single submitter. Criteria: GeneDx Variant Classification Process June 2021. Collection method: clinical testing. Allele origin: germline. Affected: yes.

Illumina Laboratory Services, Illumina
Classification: Benign for Retinitis pigmentosa. Last evaluated: 2017-04-27. Review status: criteria provided, single submitter. Criteria: ICSL Variant Classification Criteria 13 December 2019. Collection method: clinical testing. Allele origin: germline.
Comment: This variant was observed as part of a predisposition screen in an ostensibly healthy population. A literature search was performed for the gene, cDNA change, and amino acid change (where applicable). No publications were found based on this search. Allele frequency data from public databases was too high to be consistent with this variant causing disease. Therefore, this variant is classified as benign.

Breakthrough Genomics
Classification: Benign. Review status: criteria provided, single submitter. Criteria: ACMG Guidelines, 2015. Collection method: not provided. Allele origin: germline. Inheritance: Autosomal recessive inheritance. Affected: yes.